The following is an entry in ClinVar:

NM_001130987.2(DYSF):c.6099_6106dup (p.His2036fs)

Gene: DYSF (dysferlin; plus strand). Cytogenetic location: 2p13.2.
Variant type: Duplication.
Coding change: c.6099_6106dup on transcript NM_001130987.2 (MANE Select); coding-DNA positions 6099 to 6106, 8 bases duplicated (GAGTGAGC; older notation c.6099_6106dupGAGTGAGC).
Protein change: p.His2036fs; shifts the reading frame from histidine 2036.
Molecular consequence: frameshift variant.
Genome position (GRCh38, 1-based): chr2:71,681,036-71,681,043, GAGTGAGC duplicated. VCF-style (leftmost placement, unchanged base first): chr2-71681035-A-AGAGTGAGC. GRCh37 (hg19) VCF-style: chr2-71908165-A-AGAGTGAGC.
Other names: c.5985_5992dup, p.His1998fs (NM_001130455.2); c.5940_5947dup, p.His1983fs (NM_001130976.2); c.6003_6010dup, p.His2004fs (NM_001130977.2); c.6045_6052dup, p.His2018fs (NM_001130978.2); c.6075_6082dup, p.His2028fs (NM_001130979.2); c.6033_6040dup, p.His2014fs (NM_001130980.2); c.6096_6103dup, p.His2035fs (NM_001130981.2); c.6078_6085dup, p.His2029fs (NM_001130982.2); and 6 more; short protein forms H1983fs, H1984fs, H1997fs, H2015fs, H1998fs, H2014fs, H2019fs, H2029fs.
Identifiers: ClinVar variation 282134 (VCV000282134.14), dbSNP rs886042318, ClinGen allele CA10604076.

ClinVar aggregate classification (germline): Pathogenic/Likely pathogenic. Review status: criteria provided, multiple submitters, no conflicts (2 of 4 stars). 4 submissions from 4 submitters: Pathogenic (3); Likely pathogenic (1). Last evaluated 2025-10-10.

Conditions:
Autosomal recessive limb-girdle muscular dystrophy type 2B (LGMDR2). Also called: Limb-Girdle Muscular Dystrophy Type 2B (LGMD2B); Limb-girdle muscular dystrophy, type 2B; MUSCULAR DYSTROPHY, LIMB-GIRDLE, AUTOSOMAL RECESSIVE 2; MUSCULAR DYSTROPHY, LIMB-GIRDLE, TYPE 3. Identifiers: Orphanet 268, MedGen C1850889, MONDO:0009676, OMIM 253601.
Neuromuscular disease caused by qualitative or quantitative defects of dysferlin. Also called: Qualitative or quantitative defects of dysferlin; Dysferlinopathy. Identifiers: Orphanet 207073, MedGen C2931687, MONDO:0016145.
Miyoshi muscular dystrophy 1 (MMD1). Identifiers: Orphanet 45448, MedGen C4551973, MONDO:0024545, OMIM 254130.

Allele frequency attached by ClinVar (database versions not stated): gnomAD exomes below 0.00001; gnomAD 0.00001; TOPMed 0.00001.

Submissions (4):

Natera, Inc.
Classification: Likely pathogenic for Limb-girdle muscular dystrophy type 2B. Last evaluated: 2025-10-10. Review status: criteria provided, single submitter. Criteria: Natera Variant Classification Schema (03/2026). Collection method: clinical testing. Allele origin: germline.
Comment: The c.5982_5989dupGAGTGAGC variant in DYSF is a frameshift variant predicted to shift the reading frame beginning at codon 1997 and leads to a stop codon 18 codons downstream. This variant is expected to result in nonsense mediated decay, truncation, or a dysfunctional protein product. This variant is rare in the general population with a frequency below the threshold expected for the associated phenotype(s). Given the available evidence, this variant is classified as Likely Pathogenic.

Baylor Genetics
Classification: Pathogenic for Miyoshi muscular dystrophy 1. Last evaluated: 2023-06-11. Review status: criteria provided, single submitter. Criteria: ACMG Guidelines, 2015. Collection method: clinical testing. Allele origin: unknown.

Labcorp Genetics (formerly Invitae), Labcorp
Classification: Pathogenic for Neuromuscular disease caused by qualitative or quantitative defects of dysferlin. Last evaluated: 2023-04-24. Review status: criteria provided, single submitter. Criteria: Invitae Variant Classification Sherloc (09022015). Collection method: clinical testing. Allele origin: germline.
Comment: This variant is not present in population databases (gnomAD no frequency). This variant has not been reported in the literature in individuals affected with DYSF-related conditions. ClinVar contains an entry for this variant (Variation ID: 282134). For these reasons, this variant has been classified as Pathogenic. This sequence change creates a premature translational stop signal (p.His1997Argfs*18) in the DYSF gene. It is expected to result in an absent or disrupted protein product. Loss-of-function variants in DYSF are known to be pathogenic (PMID: 17698709, 20301480).

Eurofins Ntd Llc (ga)
Classification: Pathogenic. Last evaluated: 2015-07-23. Review status: criteria provided, single submitter. Criteria: EGL Classification Definitions. Collection method: clinical testing. Allele origin: germline. Observed: 1 variant allele.

Literature cited by the submitters: PubMed 17698709 (cited by Labcorp Genetics (formerly Invitae), Labcorp); PubMed 20301480 (cited by Labcorp Genetics (formerly Invitae), Labcorp).